The following is an entry in ClinVar:

NM_003640.5(ELP1):c.3769A>G (p.Lys1257Glu)

Gene: ELP1 (elongator acetyltransferase complex subunit 1; minus strand). Cytogenetic location: 9q31.3.
Variant type: single nucleotide variant.
Coding change: c.3769A>G on transcript NM_003640.5 (MANE Select); coding-DNA position 3769, A replaced by G.
Protein change: p.Lys1257Glu; replaces lysine 1257 with glutamic acid.
Molecular consequence: missense variant.
Genome position (GRCh38, 1-based): chr9:108,878,081, T>C on the plus strand (A>G on the coding strand, the complement: ELP1 is on the minus strand). VCF-style: chr9-108878081-T-C. GRCh37 (hg19) VCF-style: chr9-111640361-T-C.
Other names: c.3427A>G, p.Lys1143Glu (NM_001318360.2); c.2722A>G, p.Lys908Glu (NM_001330749.2); c.3769A>G (NM_003640.4); short protein forms K908E, K1257E, K1143E.
Identifiers: ClinVar variation 2195499 (VCV002195499.3), dbSNP rs1286580501, ClinGen allele CA374410706.

ClinVar aggregate classification (germline): Uncertain significance. Review status: criteria provided, multiple submitters, no conflicts (2 of 4 stars). 3 submissions from 3 submitters: Uncertain significance (3). Last evaluated 2025-12-23.

Conditions:
Medulloblastoma (MDB). Also called: MEDULLOBLASTOMA PREDISPOSITION SYNDROME; Medulloblastoma, somatic. Identifiers: Orphanet 616, MedGen C0025149, MeSH D008527, MONDO:0007959, OMIM 155255, HP:0002885.
ELP1-related disorder. Also called: ELP1-related condition.

Allele frequency attached by ClinVar (database versions not stated): gnomAD 0.00001; gnomAD exomes 0.00001; TOPMed 0.00002.
gnomAD v4.1: 12 of 1,613,366 alleles (0.00074%); highest among the groups gnomAD compares: African/African-American, 0.0013%; no homozygotes.

Submissions (3):

PreventionGenetics, part of Exact Sciences
Classification: Uncertain significance for ELP1-related condition. Last evaluated: 2025-12-23. Review status: criteria provided, single submitter. Criteria: ACMG Guidelines, 2015. Collection method: clinical testing. Allele origin: germline.
Comment: The ELP1 c.3769A>G variant is predicted to result in the amino acid substitution p.Lys1257Glu. To our knowledge, this variant has not been reported in the literature. This variant is reported in 0.00088% of alleles in individuals of European (Non-Finnish) descent in gnomAD. At this time, the clinical significance of this variant is uncertain due to the absence of conclusive functional and genetic evidence.

St. Jude Molecular Pathology, St. Jude Children's Research Hospital
Classification: Uncertain significance for Medulloblastoma. Last evaluated: 2023-11-16. Review status: criteria provided, single submitter. Criteria: St. Jude Assertion Criteria 2020. Collection method: clinical testing. Allele origin: germline.
Comment: The ELP1 c.3769A>G (p.Lys1257Glu) missense change has a maximum subpopulation frequency of 0.00088% in gnomAD v2.1.1. The in silico tool REVEL predicts a benign effect on protein function, but to our knowledge this prediction has not been confirmed by functional studies. To our knowledge, this variant has not been reported in the literature in individuals with a personal or family history of medulloblastoma or familial dysautonomia. In summary, the evidence currently available is insufficient to determine the clinical significance of this variant. It has therefore been classified as of uncertain significance.

Labcorp Genetics (formerly Invitae), Labcorp
Classification: Uncertain significance. Last evaluated: 2022-02-07. Review status: criteria provided, single submitter. Criteria: Invitae Variant Classification Sherloc (09022015). Collection method: clinical testing. Allele origin: germline.
Comment: This sequence change replaces lysine, which is basic and polar, with glutamic acid, which is acidic and polar, at codon 1257 of the ELP1 protein (p.Lys1257Glu). This variant is present in population databases (no rsID available, gnomAD 0.0009%). This variant has not been reported in the literature in individuals affected with ELP1-related conditions. Algorithms developed to predict the effect of missense changes on protein structure and function output the following: SIFT: "Tolerated"; PolyPhen-2: "Benign"; Align-GVGD: "Class C0". The glutamic acid amino acid residue is found in multiple mammalian species, which suggests that this missense change does not adversely affect protein function. In summary, the available evidence is currently insufficient to determine the role of this variant in disease. Therefore, it has been classified as a Variant of Uncertain Significance.